The following is an entry in ClinVar:

ClinVar aggregate classification (germline): Uncertain significance (1 of 4 stars; one submission).

Conditions:
Familial adenomatous polyposis 2. Also called: MUTYH Polyposis; COLORECTAL ADENOMATOUS POLYPOSIS, AUTOSOMAL RECESSIVE; ADENOMAS, MULTIPLE COLORECTAL, AUTOSOMAL RECESSIVE; MUTYH-associated polyposis; MYH-associated polyposis; MUTYH-related attenuated familial adenomatous polyposis. Identifiers: Orphanet 220460, Orphanet 247798, MedGen C3272841, MONDO:0012041, OMIM 608456.

Submission:

Labcorp Genetics (formerly Invitae), Labcorp
Classification: Uncertain significance for Familial adenomatous polyposis 2. Last evaluated: 2022-02-03. Review status: criteria provided, single submitter. Criteria: Invitae Variant Classification Sherloc (09022015). Collection method: clinical testing. Allele origin: germline.
Comment: This sequence change replaces isoleucine, which is neutral and non-polar, with serine, which is neutral and polar, at codon 249 of the MUTYH protein (p.Ile249Ser). This variant is not present in population databases (gnomAD no frequency). In summary, the available evidence is currently insufficient to determine the role of this variant in disease. Therefore, it has been classified as a Variant of Uncertain Significance. Algorithms developed to predict the effect of sequence changes on RNA splicing suggest that this variant may create or strengthen a splice site. Algorithms developed to predict the effect of missense changes on protein structure and function (SIFT, PolyPhen-2, Align-GVGD) all suggest that this variant is likely to be disruptive. This variant has not been reported in the literature in individuals affected with MUTYH-related conditions.

NM_001048174.2(MUTYH):c.662T>G (p.Ile221Ser)

Gene: MUTYH (mutY DNA glycosylase; minus strand). Cytogenetic location: 1p34.1.
Variant type: single nucleotide variant.
Coding change: c.662T>G on transcript NM_001048174.2 (MANE Select); coding-DNA position 662, T replaced by G.
Protein change: p.Ile221Ser; replaces isoleucine 221 with serine.
Molecular consequence: missense variant. On other transcripts: non-coding transcript variant (2).
Genome position (GRCh38, 1-based): chr1:45,332,433, A>C on the plus strand (T>G on the coding strand, the complement: MUTYH is on the minus strand). VCF-style: chr1-45332433-A-C. GRCh37 (hg19) VCF-style: chr1-45798105-A-C.
Other names: c.665T>G, p.Ile222Ser (NM_001407086.1, NM_001048172.2, NM_001407071.1 and 1 more transcripts); c.683T>G, p.Ile228Ser (NM_001407087.1); c.662T>G, p.Ile221Ser (NM_001407088.1, NM_001407089.1, NM_001048171.2 and 6 more transcripts); c.386T>G, p.Ile129Ser (NM_001407091.1, NM_001293192.2, NM_001293196.2); c.737T>G, p.Ile246Ser (NM_012222.3); c.746T>G, p.Ile249Ser (NM_001128425.2); c.707T>G, p.Ile236Ser (NM_001293190.2); c.695T>G, p.Ile232Ser (NM_001293191.2, NM_001407069.1, NM_001407077.1); and 5 more; short protein forms I193S, I207S, I228S, I232S, I235S, I208S, I236S, I106S.
Identifiers: ClinVar variation 2092533 (VCV002092533.4), dbSNP rs1570407749, ClinGen allele CA340134828.